The following is an entry in ClinVar:

ClinVar aggregate classification (germline): Uncertain significance. Review status: criteria provided, multiple submitters, no conflicts (2 of 4 stars). 2 submissions from 2 submitters: Uncertain significance (2). Last evaluated 2023-03-31.

Conditions:
Hereditary cancer-predisposing syndrome. Also called: Tumor predisposition; Hereditary neoplastic syndrome; Neoplastic Syndromes, Hereditary; Hereditary Cancer Syndrome. Identifiers: Orphanet 140162, MedGen C0027672, MeSH D009386, MONDO:0015356.
Rhabdoid tumor predisposition syndrome 2 (RTPS2). Identifiers: Orphanet 231108, Orphanet 69077, MedGen C2750074, MONDO:0013224, OMIM 613325.

Allele frequency attached by ClinVar (database versions not stated): gnomAD exomes below 0.00001; TOPMed below 0.00001.
gnomAD v4.1: 1 of 1,613,602 alleles (0.000062%); highest among the groups gnomAD compares: South Asian, 0.0011%; no homozygotes.

Submissions (2):

Labcorp Genetics (formerly Invitae), Labcorp
Classification: Uncertain significance for Rhabdoid tumor predisposition syndrome 2. Last evaluated: 2023-03-31. Review status: criteria provided, single submitter. Criteria: Invitae Variant Classification Sherloc (09022015). Collection method: clinical testing. Allele origin: germline.
Comment: In summary, the available evidence is currently insufficient to determine the role of this variant in disease. Therefore, it has been classified as a Variant of Uncertain Significance. Advanced modeling of protein sequence and biophysical properties (such as structural, functional, and spatial information, amino acid conservation, physicochemical variation, residue mobility, and thermodynamic stability) has been performed at Invitae for this missense variant, however the output from this modeling did not meet the statistical confidence thresholds required to predict the impact of this variant on SMARCA4 protein function. ClinVar contains an entry for this variant (Variation ID: 1499327). This variant has not been reported in the literature in individuals affected with SMARCA4-related conditions. This variant is not present in population databases (gnomAD no frequency). This sequence change replaces arginine, which is basic and polar, with glutamine, which is neutral and polar, at codon 1523 of the SMARCA4 protein (p.Arg1523Gln).

Ambry Genetics
Classification: Uncertain significance for Hereditary cancer-predisposing syndrome. Last evaluated: 2019-11-27. Review status: criteria provided, single submitter. Criteria: Ambry Variant Classification Scheme 2023. Collection method: clinical testing. Allele origin: germline.
Comment: The p.R1523Q variant (also known as c.4568G>A), located in coding exon 31 of the SMARCA4 gene, results from a G to A substitution at nucleotide position 4568. The arginine at codon 1523 is replaced by glutamine, an amino acid with highly similar properties. This amino acid position is highly conserved in available vertebrate species. In addition, this alteration is predicted to be tolerated by in silico analysis. Since supporting evidence is limited at this time, the clinical significance of this alteration remains unclear.

NM_003072.5(SMARCA4):c.4472G>A (p.Arg1491Gln)

Gene: SMARCA4 (SWI/SNF related BAF chromatin remodeling complex subunit ATPase 4; plus strand). Cytogenetic location: 19p13.2.
Variant type: single nucleotide variant.
Coding change: c.4472G>A on transcript NM_003072.5 (MANE Select); coding-DNA position 4472, G replaced by A.
Protein change: p.Arg1491Gln; replaces arginine 1491 with glutamine.
Molecular consequence: missense variant. On other transcripts: non-coding transcript variant (1).
Genome position (GRCh38, 1-based): chr19:11,058,302, G>A. VCF-style: chr19-11058302-G-A. GRCh37 (hg19) VCF-style: chr19-11168978-G-A.
Other names: c.4472G>A, p.Arg1491Gln (NM_001128844.3); c.4382G>A, p.Arg1461Gln (NM_001128845.2); c.4379G>A, p.Arg1460Gln (NM_001128846.2); c.4373G>A, p.Arg1458Gln (NM_001128847.4, NM_001374457.1); c.4370G>A, p.Arg1457Gln (NM_001128848.2); c.4568G>A, p.Arg1523Gln (NM_001128849.3, NM_001387283.1); short protein forms R1523Q, R1457Q, R1458Q, R1460Q, R1491Q, R1461Q.
Identifiers: ClinVar variation 1499327 (VCV001499327.10), dbSNP rs1388483526, ClinGen allele CA404077540.
Genomic context (GRCh38, chr19:11,058,302, plus strand): 5'-TTCTGCCTTGCAGCAGCAGTGGACGTCAGCTCAGCGAGGTCTTCATCCAGCTGCCCTCGC[G>A]AAAGGAGCTGCCCGAGTACTACGAGCTCATCCGCAAGCCCGTGGACTTCAAGAAGATAAA-3'
Protein context (NP_003063.2, residues 1481-1501): LSEVFIQLPS[Arg1491Gln]KELPEYYELI